The following is an entry in ClinVar:

ClinVar aggregate classification (germline): Uncertain significance (1 of 4 stars; one submission).

Conditions:
Nemaline myopathy 2 (NEM2). Also called: Nemaline myopathy 2, autosomal recessive. Identifiers: MedGen C1850569, MONDO:0009725, OMIM 256030.

Allele frequency attached by ClinVar (database versions not stated): TOPMed below 0.00001.

Submission:

Labcorp Genetics (formerly Invitae), Labcorp
Classification: Uncertain significance for Nemaline myopathy 2. Last evaluated: 2022-06-04. Review status: criteria provided, single submitter. Criteria: Invitae Variant Classification Sherloc (09022015). Collection method: clinical testing. Allele origin: germline.
Comment: This sequence change replaces threonine, which is neutral and polar, with alanine, which is neutral and non-polar, at codon 1133 of the NEB protein (p.Thr1133Ala). This variant is not present in population databases (gnomAD no frequency). This variant has not been reported in the literature in individuals affected with NEB-related conditions. ClinVar contains an entry for this variant (Variation ID: 654226). Algorithms developed to predict the effect of missense changes on protein structure and function are either unavailable or do not agree on the potential impact of this missense change (SIFT: "Tolerated"; PolyPhen-2: "Not Available"; Align-GVGD: "Class C0"). In summary, the available evidence is currently insufficient to determine the role of this variant in disease. Therefore, it has been classified as a Variant of Uncertain Significance.

NM_001164508.2(NEB):c.3397A>G (p.Thr1133Ala)

Gene: NEB (nebulin; minus strand). Cytogenetic location: 2q23.3.
Variant type: single nucleotide variant.
Coding change: c.3397A>G on transcript NM_001164508.2 (MANE Select); coding-DNA position 3397, A replaced by G.
Protein change: p.Thr1133Ala; replaces threonine 1133 with alanine.
Molecular consequence: missense variant.
Genome position (GRCh38, 1-based): chr2:151,678,046, T>C on the plus strand (A>G on the coding strand, the complement: NEB is on the minus strand). VCF-style: chr2-151678046-T-C. GRCh37 (hg19) VCF-style: chr2-152534560-T-C.
Other names: c.3397A>G, p.Thr1133Ala (NM_001164507.2, NM_001271208.2, NM_004543.5); short protein forms T1133A.
Identifiers: ClinVar variation 654226 (VCV000654226.8), dbSNP rs1294520829, ClinGen allele CA348819202.